The following is an entry in ClinVar:

NM_000287.4(PEX6):c.395del (p.Pro132fs)

Gene: PEX6 (peroxisomal biogenesis factor 6; minus strand). Cytogenetic location: 6p21.1.
Variant type: Deletion.
Coding change: c.395del on transcript NM_000287.4 (MANE Select); coding-DNA position 395, one base deleted (C; older notation c.395delC).
Protein change: p.Pro132fs; shifts the reading frame from proline 132.
Molecular consequence: frameshift variant. On other transcripts: non-coding transcript variant (1).
Genome position (GRCh38, 1-based): chr6:42,978,756, G deleted on the plus strand (C on the coding strand, the reverse complement: PEX6 is on the minus strand); the first of 3 consecutive G bases (chr6:42,978,756-42,978,758); deleting any one gives the same sequence. VCF-style (leftmost placement, unchanged base first): chr6-42978755-TG-T. GRCh37 (hg19) VCF-style: chr6-42946493-TG-T.
Other names: c.395del, p.Pro132fs (NM_001316313.2); short protein forms P132fs.
Identifiers: ClinVar variation 4818120 (VCV004818120.1).

ClinVar aggregate classification (germline): Likely pathogenic (1 of 4 stars; one submission).

Conditions:
Zellweger spectrum disorders (ZS). Also called: Zellweger Spectrum Disorder (ZSD); Zellweger syndrome; Zellweger Spectrum Disorder; Zellweger Spectrum. Identifiers: Orphanet 912, MedGen C0043459, MONDO:0019609.

Submission:

Natera, Inc.
Classification: Likely pathogenic for Zellweger syndrome. Last evaluated: 2024-06-04. Review status: criteria provided, single submitter. Criteria: Natera Variant Classification Schema (03/2026). Collection method: clinical testing. Allele origin: germline.
Comment: The c.395del variant in PEX6 is a frameshift variant predicted to shift the reading frame beginning at codon 132 and leads to a stop codon 26 codons downstream. This variant is expected to result in nonsense mediated decay, truncation, or a dysfunctional protein product. This variant is rare in the general population with a frequency below the threshold expected for the associated phenotype(s). Given the available evidence, this variant is classified as Likely Pathogenic.